The following is an entry in ClinVar:

ClinVar aggregate classification (germline): Likely benign (0 of 4 stars; one submission).

Conditions:
HOXA10-related disorder. Also called: HOXA10-related condition.

Allele frequency attached by ClinVar (database versions not stated): 1000 Genomes Project 30x 0.00078; ESP Exome Variant Server 0.00013; gnomAD 0.00035; gnomAD exomes 0.00037; ExAC 0.00065; 1000 Genomes Project 0.00080.
gnomAD v4.1: 618 of 1,601,156 alleles (0.039%); highest among the groups gnomAD compares: Middle Eastern, 0.56%; no homozygotes.

Submission:

PreventionGenetics, part of Exact Sciences
Classification: Likely benign for HOXA10-related condition. Last evaluated: 2019-03-25. Review status: no assertion criteria provided. Collection method: clinical testing. Allele origin: germline.
Comment: This variant is classified as likely benign based on ACMG/AMP sequence variant interpretation guidelines (Richards et al. 2015 PMID: 25741868, with internal and published modifications).

NM_018951.4(HOXA10):c.99G>T (p.Ser33=)

Genes: HOXA10 (homeobox A10; minus strand), HOXA10-HOXA9 (HOXA10-HOXA9 readthrough; minus strand). Cytogenetic location: 7p15.2.
Variant type: single nucleotide variant.
Coding change: c.99G>T on transcript NM_018951.4 (MANE Select); coding-DNA position 99, G replaced by T.
Protein change: p.Ser33=; no amino-acid change (serine 33 retained).
Molecular consequence: synonymous variant.
Genome position (GRCh38, 1-based): chr7:27,174,208, C>A on the plus strand (G>T on the coding strand, the complement: HOXA10 is on the minus strand). VCF-style: chr7-27174208-C-A. GRCh37 (hg19) VCF-style: chr7-27213827-C-A.
Identifiers: ClinVar variation 3043254 (VCV003043254.2), dbSNP rs202173149, ClinGen allele CA4198211.